The following is an entry in ClinVar:

ClinVar aggregate classification (germline): Benign (1 of 4 stars; one submission).

Allele frequency attached by ClinVar (database versions not stated): 1000 Genomes Project 30x 0.00156; 1000 Genomes Project 0.00160; TOPMed 0.00243; gnomAD 0.00306.
gnomAD v4.1: 463 of 151,928 alleles (0.3%); highest among the groups gnomAD compares: Non-Finnish European, 0.38%; 1 homozygote.

Submission:

CeGaT Center for Human Genetics Tuebingen
Classification: Benign. Last evaluated: 2022-10-01. Review status: criteria provided, single submitter. Criteria: CeGaT Center For Human Genetics Tuebingen Variant Classification Criteria Version 2. Collection method: clinical testing. Allele origin: germline. Affected: yes. Observed: 3 variant alleles.
Comment: KCNT2: BS1, BS2

NM_198503.5(KCNT2):c.2596-4150C>G

Gene: KCNT2 (potassium sodium-activated channel subfamily T member 2; minus strand). Cytogenetic location: 1q31.3.
Variant type: single nucleotide variant.
Coding change: c.2596-4150C>G on transcript NM_198503.5 (MANE Select); 4150 bases into the intron before coding-DNA position 2596, C replaced by G.
Molecular consequence: intron variant.
Genome position (GRCh38, 1-based): chr1:196,289,908, G>C on the plus strand (C>G on the coding strand, the complement: KCNT2 is on the minus strand). VCF-style: chr1-196289908-G-C. GRCh37 (hg19) VCF-style: chr1-196259038-G-C.
Other names: c.2374-4150C>G (NM_001287820.3); c.2524-4150C>G (NM_001287819.3).
Identifiers: ClinVar variation 1711232 (VCV001711232.30), dbSNP rs142530070, ClinGen allele CA35805872.
Genomic context (GRCh38, chr1:196,289,908, plus strand): 5'-CAAATACTTATATAAGTATCTAAAAGAATACCAATGACATTTAAATCATTAAAGATTTCA[G>C]ACACTTTTAAATGTTTGGTCTTACCTACTTTTCCATTTGTTTTATTATCATGAACATGTG-3'